The following is an entry in ClinVar:

ClinVar aggregate classification (germline): Uncertain significance. Review status: criteria provided, multiple submitters, no conflicts (2 of 4 stars). 2 submissions from 2 submitters: Uncertain significance (2). Last evaluated 2023-12-19.

Conditions:
Chondrosarcoma. Also called: Chondrosarcoma, somatic. Identifiers: Orphanet 55880, MedGen C0008479, MONDO:0008977, OMIM 215300, HP:0006765.
Multiple congenital exostosis (EXT). Also called: MULTIPLE CARTILAGINOUS EXOSTOSES; Hereditary multiple exostoses; Hereditary multiple exostosis; Multiple exostoses; Multiple osteochondromas; Hereditary multiple osteochondromas. Identifiers: Orphanet 321, MedGen C0015306, MONDO:0005508, HP:0002762.

Allele frequency attached by ClinVar (database versions not stated): gnomAD 0.00001; gnomAD exomes 0.00001; TOPMed 0.00001.
gnomAD v4.1: 13 of 1,613,898 alleles (0.00081%); highest among the groups gnomAD compares: Non-Finnish European, 0.0011%; no homozygotes.

Submissions (2):

Baylor Genetics
Classification: Uncertain significance for Chondrosarcoma. Last evaluated: 2023-12-19. Review status: criteria provided, single submitter. Criteria: ACMG Guidelines, 2015. Collection method: clinical testing. Allele origin: unknown.

Labcorp Genetics (formerly Invitae), Labcorp
Classification: Uncertain significance for Multiple congenital exostosis. Last evaluated: 2022-08-29. Review status: criteria provided, single submitter. Criteria: Invitae Variant Classification Sherloc (09022015). Collection method: clinical testing. Allele origin: germline.
Comment: In summary, the available evidence is currently insufficient to determine the role of this variant in disease. Therefore, it has been classified as a Variant of Uncertain Significance. Algorithms developed to predict the effect of missense changes on protein structure and function are either unavailable or do not agree on the potential impact of this missense change (SIFT: "Deleterious"; PolyPhen-2: "Benign"; Align-GVGD: "Class C65"). This missense change has been observed in individual(s) with hereditary multiple osteochondromas (PMID: 25727835). This variant is not present in population databases (gnomAD no frequency). This sequence change replaces serine, which is neutral and polar, with cysteine, which is neutral and slightly polar, at codon 395 of the EXT1 protein (p.Ser395Cys).

Literature cited by the submitters: PubMed 25727835 (cited by Labcorp Genetics (formerly Invitae), Labcorp).

NM_000127.3(EXT1):c.1184C>G (p.Ser395Cys)

Gene: EXT1 (exostosin glycosyltransferase 1; minus strand). Cytogenetic location: 8q24.11.
Variant type: single nucleotide variant.
Coding change: c.1184C>G on transcript NM_000127.3 (MANE Select); coding-DNA position 1184, C replaced by G.
Protein change: p.Ser395Cys; replaces serine 395 with cysteine.
Molecular consequence: missense variant.
Genome position (GRCh38, 1-based): chr8:117,830,330, G>C on the plus strand (C>G on the coding strand, the complement: EXT1 is on the minus strand). VCF-style: chr8-117830330-G-C. GRCh37 (hg19) VCF-style: chr8-118842569-G-C.
Other names: short protein forms S395C.
Identifiers: ClinVar variation 2136698 (VCV002136698.5), dbSNP rs1441820398, ClinGen allele CA371890640.